The following is an entry in ClinVar:

NM_000059.4(BRCA2):c.9069T>G (p.Ala3023=)

Gene: BRCA2 (BRCA2 DNA repair associated; plus strand). Cytogenetic location: 13q13.1.
Variant type: single nucleotide variant.
Coding change: c.9069T>G on transcript NM_000059.4 (MANE Select); coding-DNA position 9069, T replaced by G.
Protein change: p.Ala3023=; no amino-acid change (alanine 3023 retained).
Molecular consequence: synonymous variant.
Genome position (GRCh38, 1-based): chr13:32,379,865, T>G. VCF-style: chr13-32379865-T-G. GRCh37 (hg19) VCF-style: chr13-32954002-T-G.
Identifiers: ClinVar variation 481182 (VCV000481182.6), dbSNP rs1555288480, ClinGen allele CA483439873.

ClinVar aggregate classification (germline): Likely benign. Review status: criteria provided, multiple submitters, no conflicts (2 of 4 stars). 2 submissions from 2 submitters: Likely benign (2). Last evaluated 2024-08-23.

Conditions:
BRCA2-related cancer predisposition. Identifiers: MedGen CN377758, MONDO:0700269.
Hereditary cancer-predisposing syndrome. Also called: Hereditary Cancer Syndrome; Neoplastic Syndromes, Hereditary; Tumor predisposition; Hereditary neoplastic syndrome. Identifiers: Orphanet 140162, MedGen C0027672, MeSH D009386, MONDO:0015356.

Submissions (2):

All of Us Research Program, National Institutes of Health
Classification: Likely benign for BRCA2-related cancer predisposition. Last evaluated: 2024-08-23. Review status: criteria provided, single submitter. Criteria: ACMG Guidelines, 2015. Collection method: clinical testing. Allele origin: germline. Inheritance: Autosomal dominant inheritance. Observed: 1 variant allele, 1 heterozygote.
Comment: This study involves interpretation of variants in research participants for the purpose of population health screening. Participant phenotype was not available at the time of variant classification. Additional details can be found in publication PMID: 35346344, PMCID: PMC8962531

Ambry Genetics
Classification: Likely benign for Hereditary cancer-predisposing syndrome. Last evaluated: 2017-08-14. Review status: criteria provided, single submitter. Criteria: Ambry Variant Classification Scheme 2023. Collection method: clinical testing. Allele origin: germline.